The following is an entry in ClinVar:

ClinVar aggregate classification (germline): Uncertain significance. Review status: criteria provided, multiple submitters, no conflicts (2 of 4 stars). 3 submissions from 3 submitters: Uncertain significance (3). Last evaluated 2023-08-17.

Conditions:
Early-onset Parkinson disease 20. Also called: PARKINSON DISEASE 20, AUTOSOMAL RECESSIVE EARLY-ONSET. Identifiers: Orphanet 391411, MedGen C3809824, MONDO:0014233, OMIM 615530.
Developmental and epileptic encephalopathy, 53. Also called: Epileptic encephalopathy, early infantile, 53. Identifiers: MedGen C4479313, MONDO:0033362, OMIM 617389.

Allele frequency attached by ClinVar (database versions not stated): gnomAD 0.00001; gnomAD exomes 0.00001.
gnomAD v4.1: 9 of 1,613,790 alleles (0.00056%); highest among the groups gnomAD compares: Middle Eastern, 0.033%; no homozygotes.

Submissions (3):

Labcorp Genetics (formerly Invitae), Labcorp
Classification: Uncertain significance for Developmental and epileptic encephalopathy, 53; Early-onset Parkinson disease 20. Last evaluated: 2023-08-17. Review status: criteria provided, single submitter. Criteria: Invitae Variant Classification Sherloc (09022015). Collection method: clinical testing. Allele origin: germline.
Comment: This sequence change replaces arginine, which is basic and polar, with glutamine, which is neutral and polar, at codon 465 of the SYNJ1 protein (p.Arg465Gln). This variant is not present in population databases (gnomAD no frequency). This variant has not been reported in the literature in individuals affected with SYNJ1-related conditions. ClinVar contains an entry for this variant (Variation ID: 809285). Advanced modeling of protein sequence and biophysical properties (such as structural, functional, and spatial information, amino acid conservation, physicochemical variation, residue mobility, and thermodynamic stability) performed at Invitae indicates that this missense variant is not expected to disrupt SYNJ1 protein function. In summary, the available evidence is currently insufficient to determine the role of this variant in disease. Therefore, it has been classified as a Variant of Uncertain Significance.

CeGaT Center for Human Genetics Tuebingen
Classification: Uncertain significance. Last evaluated: 2018-09-01. Review status: criteria provided, single submitter. Criteria: CeGaT Center For Human Genetics Tuebingen Variant Classification Criteria Version 2. Collection method: clinical testing. Allele origin: germline. Affected: yes. Observed: 1 variant allele.

Breakthrough Genomics
Classification: Uncertain significance. Review status: criteria provided, single submitter. Criteria: ACMG Guidelines, 2015. Collection method: not provided. Allele origin: germline. Inheritance: Autosomal dominant inheritance. Affected: yes.

NM_203446.3(SYNJ1):c.1277G>A (p.Arg426Gln)

Gene: SYNJ1 (synaptojanin 1; minus strand). Cytogenetic location: 21q22.11.
Variant type: single nucleotide variant.
Coding change: c.1277G>A on transcript NM_203446.3 (MANE Select); coding-DNA position 1277, G replaced by A.
Protein change: p.Arg426Gln; replaces arginine 426 with glutamine.
Molecular consequence: missense variant.
Genome position (GRCh38, 1-based): chr21:32,681,572, C>T on the plus strand (G>A on the coding strand, the complement: SYNJ1 is on the minus strand). VCF-style: chr21-32681572-C-T. GRCh37 (hg19) VCF-style: chr21-34053882-C-T.
Other names: c.1277G>A, p.Arg426Gln (NM_001160302.2, NM_001160306.2); c.1394G>A, p.Arg465Gln (NM_003895.4); short protein forms R426Q, R465Q.
Identifiers: ClinVar variation 809285 (VCV000809285.48), dbSNP rs1601403500, ClinGen allele CA410090039.